The following is an entry in ClinVar:

NM_000132.4(F8):c.144-14_144-10del

Gene: F8 (coagulation factor VIII; minus strand). Cytogenetic location: Xq28.
Variant type: Deletion.
Coding change: c.144-14_144-10del on transcript NM_000132.4 (MANE Select); 14 bases into the intron before coding-DNA position 144 through 10 bases into the intron before coding-DNA position 144, 5 bases deleted (CTTTC; older notation c.144-14_144-10delCTTTC).
Molecular consequence: intron variant.
Genome position (GRCh38, 1-based): chrX:154,999,610-154,999,614, GAAAG deleted on the plus strand (CTTTC on the coding strand, the reverse complement: F8 is on the minus strand); deleting any 5 consecutive bases within chrX:154,999,610-154,999,618 gives the same sequence; the c. name uses the placement nearest the transcript's 3' end. VCF-style (leftmost placement, unchanged base first): chrX-154999609-AGAAAG-A. GRCh37 (hg19) VCF-style: chrX-154227884-AGAAAG-A.
Identifiers: ClinVar variation 2633144 (VCV002633144.1), dbSNP rs2523984016, ClinGen allele CA2695197190.

ClinVar aggregate classification (germline): Uncertain significance (1 of 4 stars; one submission).

Conditions:
F8-related disorder. Also called: F8-related condition.

Submission:

PreventionGenetics, part of Exact Sciences
Classification: Uncertain significance for F8-related condition. Last evaluated: 2023-04-19. Review status: criteria provided, single submitter. Criteria: ACMG Guidelines, 2015. Collection method: clinical testing. Allele origin: germline.
Comment: The F8 c.144-14_144-10del5 variant is predicted to result in an intronic deletion. XXXXXXXXXXXXXXXXXXXXXXXXXXXXXXXX This variant is predicted to alter splicing based on available splicing prediction programs (Alamut Visual plus v1.6.1). However, such computer prediction programs are imperfect. To our knowledge, this variant has not been reported in the literature. However, a similar small deletion c.144-11_144-8delTCTT has been reported in an individual with Hemophilia A (described as c.144-11delTCTT in Table S2, Shinozawa et al. 2021. PubMed ID: 33254277). This variant is not reported in a large population database, indicating this variant is rare. At this time, the clinical significance of this variant is uncertain due to the absence of conclusive functional and genetic evidence.